The following is an entry in ClinVar:

ClinVar aggregate classification (germline): Likely benign (1 of 4 stars; one submission).

Conditions:
FOXD1-related disorder. Also called: FOXD1-related condition.

Allele frequency attached by ClinVar (database versions not stated): 1000 Genomes Project 0.98383; ExAC 1.00000.

Submission:

PreventionGenetics, part of Exact Sciences
Classification: Likely benign for FOXD1-related condition. Last evaluated: 2021-01-28. Review status: criteria provided, single submitter. Criteria: ACMG Guidelines, 2015. Collection method: clinical testing. Allele origin: germline.
Comment: This variant is classified as likely benign based on ACMG/AMP sequence variant interpretation guidelines (Richards et al. 2015 PMID: 25741868, with internal and published modifications).

NM_004472.3(FOXD1):c.889_890dup (p.Ala298fs)

Gene: FOXD1 (forkhead box D1; minus strand). Cytogenetic location: 5q13.2.
Variant type: Duplication.
Coding change: c.889_890dup on transcript NM_004472.3 (MANE Select); coding-DNA positions 889 to 890, 2 bases duplicated (GC; older notation c.889_890dupGC).
Protein change: p.Ala298fs; shifts the reading frame from alanine 298.
Molecular consequence: frameshift variant.
Genome position (GRCh38, 1-based): chr5:73,447,473-73,447,474, GC duplicated on the plus strand (GC on the coding strand, the reverse complement: FOXD1 is on the minus strand). VCF-style (leftmost placement, unchanged base first): chr5-73447472-G-GGC.
Other names: short protein forms A298fs.
Identifiers: ClinVar variation 3037543 (VCV003037543.1), dbSNP rs587745355, ClinGen allele CA360107970.
Genomic context (GRCh38, chr5:73,447,472, plus strand): 5'-GCCGTGCGGTGGCGGGGGCGGCGGGGGCGAGTGCGGGTGGAAGGCGGCGGCGGCGGCGGC[G>GGC]GCCGCTGCGGCGGCGAAGAGGGCCGAGGGCGGCGCGTAAGGCGGCAGCTGCAGGCCGTAG-3'